The following is an entry in ClinVar:

ClinVar aggregate classification (germline): Uncertain significance (1 of 4 stars; one submission).

Conditions:
Cardiovascular phenotype. Identifiers: MedGen CN230736.

gnomAD v4.1: 1 of 1,613,086 alleles (0.000062%); highest among the groups gnomAD compares: Non-Finnish European, 0.000085%; no homozygotes.

Submission:

Ambry Genetics
Classification: Uncertain significance for Cardiovascular phenotype. Last evaluated: 2025-09-25. Review status: criteria provided, single submitter. Criteria: Ambry Variant Classification Scheme 2023. Collection method: clinical testing. Allele origin: germline.
Comment: The p.P1210S variant (also known as c.3628C>T), located in coding exon 6 of the ALPK3 gene, results from a C to T substitution at nucleotide position 3628. The proline at codon 1210 is replaced by serine, an amino acid with similar properties. This amino acid position is conserved. In addition, the in silico prediction for this alteration is inconclusive. Based on the available evidence, the clinical significance of this variant remains unclear.

NM_020778.5(ALPK3):c.3022C>T (p.Pro1008Ser)

Gene: ALPK3 (alpha kinase 3; plus strand). Cytogenetic location: 15q25.3.
Variant type: single nucleotide variant.
Coding change: c.3022C>T on transcript NM_020778.5 (MANE Select); coding-DNA position 3022, C replaced by T.
Protein change: p.Pro1008Ser; replaces proline 1008 with serine.
Molecular consequence: missense variant.
Genome position (GRCh38, 1-based): chr15:84,857,760, C>T. VCF-style: chr15-84857760-C-T. GRCh37 (hg19) VCF-style: chr15-85400991-C-T.
Other names: short protein forms P1008S.
Identifiers: ClinVar variation 4613495 (VCV004613495.1).